The following is an entry in ClinVar:

ClinVar aggregate classification (germline): Likely benign. Review status: criteria provided, multiple submitters, no conflicts (2 of 4 stars). 3 submissions from 3 submitters: Likely benign (3). Last evaluated 2024-07-05.

Conditions:
Hereditary cancer-predisposing syndrome. Also called: Neoplastic Syndromes, Hereditary; Tumor predisposition; Hereditary Cancer Syndrome; Hereditary neoplastic syndrome. Identifiers: Orphanet 140162, MedGen C0027672, MeSH D009386, MONDO:0015356.
Retinoblastoma (RB1). Also called: RETINOBLASTOMA, SOMATIC. Identifiers: Orphanet 790, MedGen C0035335, MeSH D012175, MONDO:0008380, OMIM 180200, HP:0009919. Disease mechanism: loss of function. Inheritance: Both sporadic and heritable forms are tested..

Allele frequency attached by ClinVar (database versions not stated): gnomAD exomes below 0.00001 and 0.00001; TOPMed below 0.00001; ExAC 0.00001; gnomAD 0.00001.
gnomAD v4.1: 3 of 1,613,814 alleles (0.00019%); highest among the groups gnomAD compares: South Asian, 0.0022%; no homozygotes.

Submissions (3):

Ambry Genetics
Classification: Likely benign for Hereditary cancer-predisposing syndrome. Last evaluated: 2024-07-05. Review status: criteria provided, single submitter. Criteria: Ambry Variant Classification Scheme 2023. Collection method: clinical testing. Allele origin: germline.

All of Us Research Program, National Institutes of Health
Classification: Likely benign for Retinoblastoma. Last evaluated: 2024-03-24. Review status: criteria provided, single submitter. Criteria: ACMG Guidelines, 2015. Collection method: clinical testing. Allele origin: germline. Inheritance: Autosomal dominant inheritance. Observed: 1 variant allele, 1 heterozygote.
Comment: This study involves interpretation of variants in research participants for the purpose of population health screening. Participant phenotype was not available at the time of variant classification. Additional details can be found in publication PMID: 35346344, PMCID: PMC8962531

Labcorp Genetics (formerly Invitae), Labcorp
Classification: Likely benign for Retinoblastoma. Last evaluated: 2024-03-14. Review status: criteria provided, single submitter. Criteria: Invitae Variant Classification Sherloc (09022015). Collection method: clinical testing. Allele origin: germline.

NM_000321.3(RB1):c.783A>G (p.Ala261=)

Gene: RB1 (RB transcriptional corepressor 1; plus strand). Cytogenetic location: 13q14.2.
Variant type: single nucleotide variant.
Coding change: c.783A>G on transcript NM_000321.3 (MANE Select); coding-DNA position 783, A replaced by G.
Protein change: p.Ala261=; no amino-acid change (alanine 261 retained).
Molecular consequence: synonymous variant.
Genome position (GRCh38, 1-based): chr13:48,362,879, A>G. VCF-style: chr13-48362879-A-G. GRCh37 (hg19) VCF-style: chr13-48937015-A-G.
Identifiers: ClinVar variation 458181 (VCV000458181.10), dbSNP rs759311626, ClinGen allele CA039509.